The following is an entry in ClinVar:

ClinVar aggregate classification (germline): Benign. Review status: criteria provided, multiple submitters, no conflicts (2 of 4 stars). 2 submissions from 2 submitters: Benign (2). Last evaluated 2018-01-13.

Conditions:
Histidinemia. Also called: Hyperhistidinemia; Deficiency of histidine ammonia-lyase; HAL DEFICIENCY; HIS DEFICIENCY; HISTIDASE DEFICIENCY; HISTIDINE AMMONIA-LYASE DEFICIENCY. Identifiers: Orphanet 2157, MedGen C0220992, MONDO:0009345, OMIM 235800, HP:0010906.

Allele frequency attached by ClinVar (database versions not stated): gnomAD exomes 0.17570; 1000 Genomes Project 0.17712; 1000 Genomes Project 30x 0.17879; gnomAD 0.20625 and 0.21171; TOPMed 0.21386.
gnomAD v4.1: 171,121 of 946,290 alleles (18%); highest among the groups gnomAD compares: African/African-American, 30%; 16,664 homozygotes.

Submissions (2):

Illumina Laboratory Services, Illumina
Classification: Benign for Histidinemia. Last evaluated: 2018-01-13. Review status: criteria provided, single submitter. Criteria: ICSL Variant Classification Criteria 13 December 2019. Collection method: clinical testing. Allele origin: germline.
Comment: This variant was observed in the ICSL laboratory as part of a predisposition screen in an ostensibly healthy population. It had not been previously curated by ICSL or reported in the Human Gene Mutation Database (HGMD: prior to June 1st, 2018), and was therefore a candidate for classification through an automated scoring system. Utilizing variant allele frequency, disease prevalence and penetrance estimates, and inheritance mode, an automated score was calculated to assess if this variant is too frequent to cause the disease. Based on the score and internal cut-off values, a variant classified as benign is not then subjected to further curation. The score for this variant resulted in a classification of benign for this disease.

Breakthrough Genomics
Classification: Benign. Review status: criteria provided, single submitter. Criteria: ACMG Guidelines, 2015. Collection method: not provided. Allele origin: germline. Inheritance: Autosomal recessive inheritance. Affected: yes.

NM_002108.4(HAL):c.*110C>A

Gene: HAL (histidine ammonia-lyase; minus strand). Cytogenetic location: 12q23.1.
Variant type: single nucleotide variant.
Coding change: c.*110C>A on transcript NM_002108.4 (MANE Select); 110 bases downstream of the stop codon, C replaced by A.
Molecular consequence: 3 prime UTR variant.
Genome position (GRCh38, 1-based): chr12:95,974,122, G>T on the plus strand (C>A on the coding strand, the complement: HAL is on the minus strand). VCF-style: chr12-95974122-G-T. GRCh37 (hg19) VCF-style: chr12-96367900-G-T.
Other names: c.*110C>A (NM_001258333.2); c.*238C>A (NM_001258334.2).
Identifiers: ClinVar variation 310701 (VCV000310701.6), dbSNP rs2230885, ClinGen allele CA10642643.